The following is an entry in ClinVar:

NM_004973.4(JARID2):c.3504C>T (p.His1168=)

Gene: JARID2 (jumonji and AT-rich interaction domain containing 2; plus strand). Cytogenetic location: 6p22.3.
Variant type: single nucleotide variant.
Coding change: c.3504C>T on transcript NM_004973.4 (MANE Select); coding-DNA position 3504, C replaced by T.
Protein change: p.His1168=; no amino-acid change (histidine 1168 retained).
Molecular consequence: synonymous variant.
Genome position (GRCh38, 1-based): chr6:15,517,214, C>T. VCF-style: chr6-15517214-C-T. GRCh37 (hg19) VCF-style: chr6-15517445-C-T.
Other names: c.2988C>T, p.His996= (NM_001267040.1).
Identifiers: ClinVar variation 717225 (VCV000717225.29), dbSNP rs144862092, ClinGen allele CA3643512.

ClinVar aggregate classification (germline): Benign/Likely benign. Review status: criteria provided, multiple submitters, no conflicts (2 of 4 stars). 3 submissions from 3 submitters: Benign (2); Likely benign (1). Last evaluated 2026-09-01.

Allele frequency attached by ClinVar (database versions not stated): 1000 Genomes Project 30x 0.00016; 1000 Genomes Project 0.00020; ExAC 0.00196; gnomAD exomes 0.00202 and 0.00314; TOPMed 0.00217; gnomAD 0.00231 and 0.00244; ESP Exome Variant Server 0.00238.

Submissions (3):

CeGaT Center for Human Genetics Tuebingen
Classification: Benign. Last evaluated: 2026-09-01. Review status: criteria provided, single submitter. Criteria: CeGaT Center For Human Genetics Tuebingen Variant Classification Criteria Version 2. Collection method: clinical testing. Allele origin: germline. Affected: yes. Observed: 7 variant alleles.
Comment: JARID2: BP4, BP7, BS1, BS2

Blueprint Genetics
Classification: Likely benign. Last evaluated: 2024-11-22. Review status: criteria provided, single submitter. Criteria: ACMG Guidelines, 2015. Collection method: clinical testing. Allele origin: germline.

Labcorp Genetics (formerly Invitae), Labcorp
Classification: Benign. Last evaluated: 2019-12-31. Review status: criteria provided, single submitter. Criteria: Invitae Variant Classification Sherloc (09022015). Collection method: clinical testing. Allele origin: germline.